The following is an entry in ClinVar:

NM_000092.5(COL4A4):c.1970G>A (p.Gly657Asp)

Gene: COL4A4 (collagen type IV alpha 4 chain; minus strand). Cytogenetic location: 2q36.3.
Variant type: single nucleotide variant.
Coding change: c.1970G>A on transcript NM_000092.5 (MANE Select); coding-DNA position 1970, G replaced by A.
Protein change: p.Gly657Asp; replaces glycine 657 with aspartic acid.
Molecular consequence: missense variant.
Genome position (GRCh38, 1-based): chr2:227,077,911, C>T on the plus strand (G>A on the coding strand, the complement: COL4A4 is on the minus strand). VCF-style: chr2-227077911-C-T. GRCh37 (hg19) VCF-style: chr2-227942627-C-T.
Other names: short protein forms G657D.
Identifiers: ClinVar variation 975093 (VCV000975093.3), dbSNP rs755233004, ClinGen allele CA350845124.
Genomic context (GRCh38, chr2:227,077,911, plus strand): 5'-TACCCCAAAGCTATTGAAATAAATAAAATTTTTTTAAAATTACCTTTCTGACCCTTCAAG[C>T]CATCAGGGCCCCTCACACCTGGGTGGCCTGGAACTCCTGGGTGGCCTCGCTCTCCTGGTG-3'
Protein context (NP_000083.3, residues 647-667): PGHPGVRGPD[Gly657Asp]LKGQKGDTIS

ClinVar aggregate classification (germline): Likely pathogenic (1 of 4 stars; one submission).

Conditions:
Benign familial hematuria. Also called: thin basement membrane disease. Identifiers: MedGen C0241908, MONDO:0957317.

Submission:

Victorian Clinical Genetics Services, Murdoch Childrens Research Institute
Classification: Likely pathogenic for Hematuria, benign familial, 1. Last evaluated: 2018-08-14. Review status: criteria provided, single submitter. Criteria: ACMG Guidelines, 2015. Collection method: clinical testing. Allele origin: unknown. Affected: yes.
Comment: A heterozygous missense variant, NM_000092.4(COL4A4):c.1970G>A, has been identified in exon 25 of 48 of the COL4A4 gene. The variant is predicted to result in a moderate amino acid change from glycine to aspartate at position 657 of the protein, NP_000083.3(COL4A4):p.(Gly657Asp). The glycine residue at this position has high conservation (100 vertebrates, UCSC), and is located within a Gly-X-Y repeat in the collagen triple helical region. In silico predictions for this variant are consistently pathogenic (Polyphen, SIFT, CADD, Mutation Taster). The variant is absent in population databases (gnomAD, dbSNP, 1000G) and has not been previously reported in clinical cases. Based on the information available at the time of curation, this variant has been classified as LIKELY PATHOGENIC.